The following is an entry in ClinVar:

ClinVar aggregate classification (germline): Uncertain significance (1 of 4 stars; one submission).

Submission:

CeGaT Center for Human Genetics Tuebingen
Classification: Uncertain significance. Last evaluated: 2024-06-01. Review status: criteria provided, single submitter. Criteria: CeGaT Center For Human Genetics Tuebingen Variant Classification Criteria Version 2. Collection method: clinical testing. Allele origin: germline. Affected: yes. Observed: 1 variant allele.
Comment: SNRNP200: PM2

NM_014014.5(SNRNP200):c.3596A>G (p.Lys1199Arg)

Gene: SNRNP200 (small nuclear ribonucleoprotein U5 subunit 200; minus strand). Cytogenetic location: 2q11.2.
Variant type: single nucleotide variant.
Coding change: c.3596A>G on transcript NM_014014.5 (MANE Select); coding-DNA position 3596, A replaced by G.
Protein change: p.Lys1199Arg; replaces lysine 1199 with arginine.
Molecular consequence: missense variant.
Genome position (GRCh38, 1-based): chr2:96,287,049, T>C on the plus strand (A>G on the coding strand, the complement: SNRNP200 is on the minus strand). VCF-style: chr2-96287049-T-C. GRCh37 (hg19) VCF-style: chr2-96952787-T-C.
Other names: short protein forms K1199R.
Identifiers: ClinVar variation 3250739 (VCV003250739.18), dbSNP rs2467328837.